The following is an entry in ClinVar:

ClinVar aggregate classification (germline): Uncertain significance (1 of 4 stars; one submission).

Allele frequency attached by ClinVar (database versions not stated): ExAC 0.00001; gnomAD exomes 0.00001; gnomAD 0.00002; TOPMed 0.00002.
gnomAD v4.1: 12 of 1,613,536 alleles (0.00074%); highest among the groups gnomAD compares: African/African-American, 0.0053%; no homozygotes.

Submission:

Labcorp Genetics (formerly Invitae), Labcorp
Classification: Uncertain significance. Last evaluated: 2025-02-03. Review status: criteria provided, single submitter. Criteria: Invitae Variant Classification Sherloc (09022015). Collection method: clinical testing. Allele origin: germline.
Comment: This sequence change replaces glycine, which is neutral and non-polar, with serine, which is neutral and polar, at codon 159 of the CLUAP1 protein (p.Gly159Ser). This variant is present in population databases (rs766241057, gnomAD 0.003%). This variant has not been reported in the literature in individuals affected with CLUAP1-related conditions. ClinVar contains an entry for this variant (Variation ID: 1354639). Invitae Evidence Modeling of protein sequence and biophysical properties (such as structural, functional, and spatial information, amino acid conservation, physicochemical variation, residue mobility, and thermodynamic stability) indicates that this missense variant is not expected to disrupt CLUAP1 protein function with a negative predictive value of 80%. In summary, the available evidence is currently insufficient to determine the role of this variant in disease. Therefore, it has been classified as a Variant of Uncertain Significance.

NM_015041.3(CLUAP1):c.475G>A (p.Gly159Ser)

Gene: CLUAP1 (clusterin associated protein 1; plus strand). Cytogenetic location: 16p13.3.
Variant type: single nucleotide variant.
Coding change: c.475G>A on transcript NM_015041.3 (MANE Select); coding-DNA position 475, G replaced by A.
Protein change: p.Gly159Ser; replaces glycine 159 with serine.
Molecular consequence: missense variant. On other transcripts: intron variant (1).
Genome position (GRCh38, 1-based): chr16:3,512,458, G>A. VCF-style: chr16-3512458-G-A. GRCh37 (hg19) VCF-style: chr16-3562458-G-A.
Other names: c.475G>A, p.Gly159Ser (NM_001330454.2); c.-4+2489G>A (NM_024793.3); short protein forms G159S.
Identifiers: ClinVar variation 1354639 (VCV001354639.8), dbSNP rs766241057, ClinGen allele CA7863739.